The following is an entry in ClinVar:

NM_012398.3(PIP5K1C):c.1255G>T (p.Asp419Tyr)

Gene: PIP5K1C (phosphatidylinositol-4-phosphate 5-kinase type 1 gamma; minus strand). Cytogenetic location: 19p13.3.
Variant type: single nucleotide variant.
Coding change: c.1255G>T on transcript NM_012398.3 (MANE Select); coding-DNA position 1255, G replaced by T.
Protein change: p.Asp419Tyr; replaces aspartic acid 419 with tyrosine.
Molecular consequence: missense variant.
Genome position (GRCh38, 1-based): chr19:3,647,343, C>A on the plus strand (G>T on the coding strand, the complement: PIP5K1C is on the minus strand). VCF-style: chr19-3647343-C-A. GRCh37 (hg19) VCF-style: chr19-3647341-C-A.
Other names: c.1255G>T, p.Asp419Tyr (NM_001195733.2, NM_001300849.2); short protein forms D419Y.
Identifiers: ClinVar variation 5036937 (VCV005036937.1).
Genomic context (GRCh38, chr19:3,647,343, plus strand): 5'-CTCACAGGAGGAGGAGGGATGGGAGGAGGAATGGGAGGAGGGTGCAGGCGCTCACCCCAT[C>A]GTGGACGAGGGCCTTCCAGGTGTGCTCCAGTTTCTTGATGAACCTGTGGAGAGAGCACCC-3'
Protein context (NP_036530.1, residues 409-429): LEHTWKALVH[Asp419Tyr]GDTVSVHRPS

ClinVar aggregate classification (germline): Uncertain significance (1 of 4 stars; one submission).

gnomAD v4.1: 3 of 1,576,146 alleles (0.00019%); highest among the groups gnomAD compares: Non-Finnish European, 0.00026%; no homozygotes.

Submission:

GeneDx
Classification: Uncertain significance. Last evaluated: 2026-04-12. Review status: criteria provided, single submitter. Criteria: GeneDx Variant Classification Process June 2021. Collection method: clinical testing. Allele origin: germline.
Comment: Not observed at significant frequency in large population cohorts (gnomAD); In silico analysis supports that this missense variant has a deleterious effect on protein structure/function; Has not been previously published as pathogenic or benign to our knowledge